The following is an entry in ClinVar:

ClinVar aggregate classification (germline): Pathogenic (1 of 4 stars; one submission).

Conditions:
Hereditary breast ovarian cancer syndrome. Also called: Hereditary breast and ovarian cancer syndrome (HBOC); Hereditary breast and ovarian cancer syndrome; Breast and ovarian cancer; Hereditary breast and/or ovarian cancer syndrome; Hereditary breast and ovarian cancer; BRCA1- and BRCA2-Associated Hereditary Breast and Ovarian Cancer. Identifiers: Orphanet 145, MedGen C0677776, MeSH D061325, MONDO:0003582. Disease mechanism: loss of function.

Submission:

Labcorp Genetics (formerly Invitae), Labcorp
Classification: Pathogenic for Hereditary breast ovarian cancer syndrome. Last evaluated: 2017-12-18. Review status: criteria provided, single submitter. Criteria: Invitae Variant Classification Sherloc (09022015). Collection method: clinical testing. Allele origin: germline.
Comment: This sequence change creates a premature translational stop signal (p.Lys178Argfs*6) in the BRCA2 gene. It is expected to result in an absent or disrupted protein product. This variant is not present in population databases (ExAC no frequency). This variant has not been reported in the literature in individuals with BRCA2-related disease. Loss-of-function variants in BRCA2 are known to be pathogenic (PMID: 20104584). For these reasons, this variant has been classified as Pathogenic.

Literature cited by the submitters: PubMed 20104584.

NC_000013.11:g.32326515_32326521delinsGAC

Gene: BRCA2 (BRCA2 DNA repair associated; plus strand). Cytogenetic location: 13q13.1.
Variant type: Indel.
Genome position: GRCh38 VCF-style: chr13-32326515-AACATAT-GAC. GRCh37 (hg19) VCF-style: chr13-32900652-AACATAT-GAC.
Other names: c.533_539delinsGAC, p.Lys178fs (LRG_293t1).
Identifiers: ClinVar variation 531206 (VCV000531206.6), dbSNP rs1555281044, ClinGen allele CA658798103.